The following is an entry in ClinVar:

ClinVar aggregate classification (germline): Uncertain significance. Review status: criteria provided, multiple submitters, no conflicts (2 of 4 stars). 2 submissions from 2 submitters: Uncertain significance (2). Last evaluated 2024-10-09.

Conditions:
RNU5F-1-associated neurodevelopmental disorder.

Submissions (2):

Institute of Human Genetics, University of Leipzig Medical Center
Classification: Uncertain significance for RNU5F-1-associated neurodevelopmental disorder. Last evaluated: 2024-10-09. Review status: criteria provided, single submitter. Criteria: ACMG Guidelines, 2015. Collection method: literature only. Allele origin: de novo. Inheritance: Autosomal dominant inheritance. Affected: yes. Observed: 1 variant allele.
Comment: This variant was identified as de novo

Institute for Human Genetics, University Hospital Essen
Classification: Uncertain significance. Last evaluated: 2005-03-05. Review status: criteria provided, single submitter. Criteria: ACMG Guidelines, 2015. Collection method: clinical testing. Allele origin: de novo. Affected: yes.
Comment: PM2_supp, PS2

Literature cited by the submitters: DOI 10.1101/2024.10.07.24314689 (cited by Institute of Human Genetics, University of Leipzig Medical Center).

NR_002753.8(RNU5F-1):n.115C>A

Genes: ARMH1 (armadillo like helical domain containing 1; plus strand), RNU5F-1 (RNA, U5F small nuclear 1; minus strand). Cytogenetic location: 1p34.1.
Variant type: single nucleotide variant.
Molecular consequence: intron variant (on NM_001145636.2).
Genome position: GRCh38 VCF-style: chr1-44721787-G-T. GRCh37 (hg19) VCF-style: chr1-45187459-G-T.
Other names: c.725-2335G>T (NM_001145636.2).
Identifiers: ClinVar variation 3362397 (VCV003362397.2).